The following is an entry in ClinVar:

ClinVar aggregate classification (germline): Uncertain significance. Review status: criteria provided, multiple submitters, no conflicts (2 of 4 stars). 2 submissions from 2 submitters: Uncertain significance (2). Last evaluated 2025-04-10.

Conditions:
Inborn genetic diseases. Identifiers: MedGen C0950123, MeSH D030342.
Aortic valve disease 2 (AOVD2). Identifiers: MedGen C3542024, MONDO:0013902, OMIM 614823.

gnomAD v4.1: 14 of 1,513,108 alleles (0.00093%); highest among the groups gnomAD compares: Non-Finnish European, 0.0011%; no homozygotes.

Submissions (2):

Ambry Genetics
Classification: Uncertain significance for Inborn genetic diseases. Last evaluated: 2025-04-10. Review status: criteria provided, single submitter. Criteria: Ambry Variant Classification Scheme 2023. Collection method: clinical testing. Allele origin: germline.
Comment: The p.C261G variant (also known as c.781T>G), located in coding exon 1 of the SMAD6 gene, results from a T to G substitution at nucleotide position 781. The cysteine at codon 261 is replaced by glycine, an amino acid with highly dissimilar properties. This amino acid position is conserved. In addition, this alteration is predicted to be deleterious by in silico analysis. Based on the available evidence, the clinical significance of this variant remains unclear.

Labcorp Genetics (formerly Invitae), Labcorp
Classification: Uncertain significance for Aortic valve disease 2. Last evaluated: 2024-10-21. Review status: criteria provided, single submitter. Criteria: Invitae Variant Classification Sherloc (09022015). Collection method: clinical testing. Allele origin: germline.
Comment: This sequence change replaces cysteine, which is neutral and slightly polar, with glycine, which is neutral and non-polar, at codon 261 of the SMAD6 protein (p.Cys261Gly). This variant is not present in population databases (gnomAD no frequency). This variant has not been reported in the literature in individuals affected with SMAD6-related conditions. ClinVar contains an entry for this variant (Variation ID: 1516766). Invitae Evidence Modeling of protein sequence and biophysical properties (such as structural, functional, and spatial information, amino acid conservation, physicochemical variation, residue mobility, and thermodynamic stability) has been performed for this missense variant. However, the output from this modeling did not meet the statistical confidence thresholds required to predict the impact of this variant on SMAD6 protein function. In summary, the available evidence is currently insufficient to determine the role of this variant in disease. Therefore, it has been classified as a Variant of Uncertain Significance.

NM_005585.5(SMAD6):c.781T>G (p.Cys261Gly)

Gene: SMAD6 (SMAD family member 6; plus strand). Cytogenetic location: 15q22.31.
Variant type: single nucleotide variant.
Coding change: c.781T>G on transcript NM_005585.5 (MANE Select); coding-DNA position 781, T replaced by G.
Protein change: p.Cys261Gly; replaces cysteine 261 with glycine.
Molecular consequence: missense variant. On other transcripts: non-coding transcript variant (1).
Genome position (GRCh38, 1-based): chr15:66,704,039, T>G. VCF-style: chr15-66704039-T-G. GRCh37 (hg19) VCF-style: chr15-66996377-T-G.
Other names: c.781T>G (NM_005585.4); short protein forms C261G.
Identifiers: ClinVar variation 1516766 (VCV001516766.7), dbSNP rs2140582832, ClinGen allele CA392950234.